The following is an entry in ClinVar:

ClinVar aggregate classification (germline): Likely benign. Review status: criteria provided, multiple submitters, no conflicts (2 of 4 stars). 3 submissions from 3 submitters: Likely benign (3). Last evaluated 2026-01-17.

Conditions:
SLC7A14-related disorder. Also called: SLC7A14-related condition.

Allele frequency attached by ClinVar (database versions not stated): gnomAD exomes 0.00004 and 0.00005; ExAC 0.00005; gnomAD 0.00006 and 0.00007; TOPMed 0.00008; 1000 Genomes Project 0.00020; 1000 Genomes Project 30x 0.00047.
gnomAD v4.1: 84 of 1,614,150 alleles (0.0052%); highest among the groups gnomAD compares: Admixed American, 0.028%; no homozygotes.

Submissions (3):

Labcorp Genetics (formerly Invitae), Labcorp
Classification: Likely benign. Last evaluated: 2026-01-17. Review status: criteria provided, single submitter. Criteria: Invitae Variant Classification Sherloc (09022015). Collection method: clinical testing. Allele origin: germline.

PreventionGenetics, part of Exact Sciences
Classification: Likely benign for SLC7A14-related condition. Last evaluated: 2025-07-31. Review status: criteria provided, single submitter. Criteria: ACMG Guidelines, 2015. Collection method: clinical testing. Allele origin: germline.
Comment: This variant is classified as likely benign based on ACMG/AMP sequence variant interpretation guidelines (Richards et al. 2015 PMID: 25741868, with internal and published modifications).

Blueprint Genetics
Classification: Likely benign. Last evaluated: 2024-11-11. Review status: criteria provided, single submitter. Criteria: ACMG Guidelines, 2015. Collection method: clinical testing. Allele origin: germline.

NM_020949.3(SLC7A14):c.2211G>A (p.Ala737=)

Gene: SLC7A14 (solute carrier family 7 member 14; minus strand). Cytogenetic location: 3q26.2.
Variant type: single nucleotide variant.
Coding change: c.2211G>A on transcript NM_020949.3 (MANE Select); coding-DNA position 2211, G replaced by A.
Protein change: p.Ala737=; no amino-acid change (alanine 737 retained).
Molecular consequence: synonymous variant.
Genome position (GRCh38, 1-based): chr3:170,467,160, C>T on the plus strand (G>A on the coding strand, the complement: SLC7A14 is on the minus strand). VCF-style: chr3-170467160-C-T. GRCh37 (hg19) VCF-style: chr3-170184948-C-T.
Other names: c.2211G>A (NM_020949.2).
Identifiers: ClinVar variation 1103139 (VCV001103139.11), dbSNP rs200155699, ClinGen allele CA2701481.
Genomic context (GRCh38, chr3:170,467,160, plus strand): 5'-TGAGTTCTGTTTGTGTTTGCTTTTGCTCTTCGCTTTGCTACTTGTCCGGCCGTTTGCCTT[C>T]GCATCTGACATCTGTTGGTAATAGAAGCCTTTGTCTTCAGTGGGCCCGCCCCAGTCCTCC-3'
Protein context (NP_066000.2, residues 727-747): KGFYYQQMSD[Ala737=]KANGRTSSKA